The following is an entry in ClinVar:

NM_005518.4(HMGCS2):c.1499G>A (p.Arg500His)

Gene: HMGCS2 (3-hydroxy-3-methylglutaryl-CoA synthase 2; minus strand). Cytogenetic location: 1p12.
Variant type: single nucleotide variant.
Coding change: c.1499G>A on transcript NM_005518.4 (MANE Select); coding-DNA position 1499, G replaced by A.
Protein change: p.Arg500His; replaces arginine 500 with histidine.
Molecular consequence: missense variant.
Genome position (GRCh38, 1-based): chr1:119,750,830, C>T on the plus strand (G>A on the coding strand, the complement: HMGCS2 is on the minus strand). VCF-style: chr1-119750830-C-T. GRCh37 (hg19) VCF-style: chr1-120293453-C-T.
Other names: NM_001166107.1:c.1373G>A(p.Arg458His); NM_005518.3:c.1499G>A(p.Arg500His); c.1373G>A, p.Arg458His (NM_001166107.1); short protein forms R500H, R458H.
Identifiers: ClinVar variation 9260 (VCV000009260.13), dbSNP rs137852639, ClinGen allele CA120258.
Genomic context (GRCh38, chr1:119,750,830, plus strand): 5'-CCACCAACTCTGCAAACTCTCACTCACCACCTTTAGACGGGACGCCGGGCATACTTTCGG[C>T]GATGCTGCTCGTCCACTCGCTCCAGGTACCAAGTACCTGGGAAAAGGCTGTTTGTGTCAC-3'
Protein context (NP_005509.1, residues 490-508): WYLERVDEQH[Arg500His]RKYARRPV

ClinVar aggregate classification (germline): Pathogenic/Likely pathogenic. Review status: criteria provided, multiple submitters, no conflicts (2 of 4 stars). 4 submissions from 4 submitters: Pathogenic (1); Likely pathogenic (2). 1 of the submissions does not count toward it. Last evaluated 2022-05-27.

Conditions:
3-hydroxy-3-methylglutaryl-CoA synthase deficiency (HMGCS2D). Also called: HMG-CoA synthase-2 deficiency; MITOCHONDRIAL HMG-CoA SYNTHASE DEFICIENCY; HMGCS2 DEFICIENCY. Identifiers: Orphanet 35701, MedGen C2751532, MONDO:0011614, OMIM 605911.

Allele frequency attached by ClinVar (database versions not stated): TOPMed below 0.00001; ExAC 0.00001; gnomAD 0.00001; gnomAD exomes 0.00001 and 0.00003.
gnomAD v4.1: 41 of 1,613,724 alleles (0.0025%); highest among the groups gnomAD compares: Middle Eastern, 0.049%; no homozygotes.

Submissions (4):

Labcorp Genetics (formerly Invitae), Labcorp
Classification: Pathogenic for 3-hydroxy-3-methylglutaryl-CoA synthase deficiency. Last evaluated: 2022-05-27. Review status: criteria provided, single submitter. Criteria: Invitae Variant Classification Sherloc (09022015). Collection method: clinical testing. Allele origin: germline.
Comment: For these reasons, this variant has been classified as Pathogenic. This variant disrupts the p.Arg500 amino acid residue in HMGCS2. Other variant(s) that disrupt this residue have been observed in individuals with HMGCS2-related conditions (PMID: 32952630), which suggests that this may be a clinically significant amino acid residue. Experimental studies have shown that this missense change affects HMGCS2 function (PMID: 11479731, 23751782, 32952630). Algorithms developed to predict the effect of missense changes on protein structure and function are either unavailable or do not agree on the potential impact of this missense change (SIFT: "Deleterious"; PolyPhen-2: "Benign"; Align-GVGD: "Class C25"). ClinVar contains an entry for this variant (Variation ID: 9260). This missense change has been observed in individual(s) with HMG-CoA synthase deficiency (PMID: 11479731, 32952630). In at least one individual the data is consistent with being in trans (on the opposite chromosome) from a pathogenic variant. This variant is present in population databases (rs137852639, gnomAD 0.004%). This sequence change replaces arginine, which is basic and polar, with histidine, which is basic and polar, at codon 500 of the HMGCS2 protein (p.Arg500His).

Victorian Clinical Genetics Services, Murdoch Childrens Research Institute
Classification: Likely pathogenic for 3-hydroxy-3-methylglutaryl-CoA synthase deficiency. Last evaluated: 2020-05-25. Review status: criteria provided, single submitter. Criteria: ACMG Guidelines, 2015. Collection method: clinical testing. Allele origin: germline. Inheritance: Autosomal recessive inheritance. Affected: yes.
Comment: Based on the classification scheme VCGS_Germline_v1.1.1, this variant is classified as Likely Pathogenic. Following criteria are met: 0102 - Loss-of-function is a known mechanism of disease for this gene. (N) 0106 - This gene is known to be associated with autosomal recessive disease. (N) 0200 - Variant is predicted to result in a missense amino acid change from arginine to histidine (exon 9). (N) 0251 - Variant is heterozygous. (N) 0304 - Variant is present in gnomAD <0.01 for a recessive condition (3 heterozygotes, 0 homozygotes). (P) 0309 - An alternative amino acid change at the same position has been observed in gnomAD, p.(Arg500Cys) (3 heterozygotes, 0 homozygotes). (N) 0502 - Missense variant with conflicting in silico predictions and/or uninformative conservation. (N) 0600 - Variant is located in an annotated domain or motif (3-hydroxy-3-methylglutaryl-CoA-synthase domain (NCBI, PDB, Decipher). (N) 0705 - No comparable variants have previous evidence for pathogenicity. (N) 0803 - Low previous evidence of pathogenicity in unrelated individuals. This variant has conflicting classification in ClinVar (VUS, Likely Pathogenic, Pathogenic), and has been reported in compound heterozygosity in a patient with mitochondrial 3-hydroxy-3-methylglutaryl-CoA synthase deficiency (PMID: 11479731). (P) 0905 - No segregation evidence has been identified for this variant. (N) 1002 - Moderate functional evidence supporting abnormal protein function, with mutant protein having no detectable enzyme activity (PMID: 23751782). (P) 1208 - Inheritance information for this variant is not currently available. (N) Legend: (P) - Pathogenic, (N) - Neutral, (B) - Benign

SIB Swiss Institute of Bioinformatics
Classification: Likely pathogenic for 3-hydroxy-3-methylglutaryl-CoA synthase deficiency. Last evaluated: 2018-04-16. Review status: criteria provided, single submitter. Criteria: ACMG Guidelines, 2015. Collection method: curation. Allele origin: germline.
Comment: This variant is interpreted as a Likely Pathogenic, for 3-hydroxy-3-methylglutaryl-coa synthase-2 deficiency, Autosomal Recessive inheritance. The following ACMG Tag(s) were applied: PM2 => Absent from controls (or at extremely low frequency if recessive) in Exome Sequencing Project, 1000 Genomes Project, or Exome Aggregation Consortium. PP3 => Multiple lines of computational evidence support a deleterious effect on the gene or gene product. PS3 => Well-established functional studies show a deleterious effect (PMID:11479731).

OMIM
Classification: Pathogenic for MITOCHONDRIAL HMG-CoA SYNTHASE DEFICIENCY. Last evaluated: 2001-07-01. Review status: no assertion criteria provided. Collection method: literature only. Allele origin: germline. Not counted in ClinVar's aggregate classification.

Literature cited by the submitters: PubMed 32952630 (cited by Labcorp Genetics (formerly Invitae), Labcorp); PubMed 11479731 (cited by 4 submitters); PubMed 23751782 (cited by Labcorp Genetics (formerly Invitae), Labcorp and Victorian Clinical Genetics Services, Murdoch Childrens Research Institute).